The following is an entry in ClinVar:

NM_001099857.5(IKBKG):c.620A>G (p.Gln207Arg)

Gene: IKBKG (inhibitor of nuclear factor kappa B kinase regulatory subunit gamma; plus strand). Cytogenetic location: Xq28.
Variant type: single nucleotide variant.
Coding change: c.620A>G on transcript NM_001099857.5 (MANE Select); coding-DNA position 620, A replaced by G.
Protein change: p.Gln207Arg; replaces glutamine 207 with arginine.
Molecular consequence: missense variant. On other transcripts: intron variant (3).
Genome position (GRCh38, 1-based): chrX:154,560,508, A>G. VCF-style: chrX-154560508-A-G. GRCh37 (hg19) VCF-style: chrX-153788723-A-G.
Other names: c.617A>G, p.Gln206Arg (NM_001321397.3, NM_001377313.1); c.620A>G, p.Gln207Arg (NM_001377312.1, NM_003639.4, NM_001321396.3); c.519-1180A>G (NM_001145255.4); c.516-1180A>G (NM_001377314.1); c.400-2302A>G (NM_001377315.1); c.824A>G, p.Gln275Arg (NM_001099856.6); short protein forms Q206R, Q207R, Q275R.
Identifiers: ClinVar variation 4848459 (VCV004848459.1).

ClinVar aggregate classification (germline): Uncertain significance (1 of 4 stars; one submission).

Submission:

Women's Health and Genetics/Laboratory Corporation of America, LabCorp
Classification: Uncertain significance. Last evaluated: 2026-04-17. Review status: criteria provided, single submitter. Criteria: LabCorp Variant Classification Summary - May 2015. Collection method: clinical testing. Allele origin: germline.
Comment: Variant summary: IKBKG c.620A>G (p.Gln207Arg) results in a conservative amino acid change in the encoded protein sequence. Algorithms developed to predict the effect of missense changes on protein structure and function are either unavailable or do not agree on the potential impact of this missense change. The frequency data for this variant in gnomAD is considered unreliable, as metrics indicate poor data quality at this position. To our knowledge, no occurrence of c.620A>G in individuals affected with IKBKG-related conditions and no experimental evidence demonstrating its impact on protein function have been reported. No submitters have cited clinical-significance assessments for this variant to ClinVar. Based on the evidence outlined above, the variant was classified as uncertain significance.